The following is an entry in ClinVar:

NM_005732.4(RAD50):c.626A>C (p.Glu209Ala)

Gene: RAD50 (RAD50 double strand break repair protein; plus strand). Cytogenetic location: 5q31.1.
Variant type: single nucleotide variant.
Coding change: c.626A>C on transcript NM_005732.4 (MANE Select); coding-DNA position 626, A replaced by C.
Protein change: p.Glu209Ala; replaces glutamic acid 209 with alanine.
Molecular consequence: missense variant.
Genome position (GRCh38, 1-based): chr5:132,579,936, A>C. VCF-style: chr5-132579936-A-C. GRCh37 (hg19) VCF-style: chr5-131915628-A-C.
Other names: short protein forms E209A.
Identifiers: ClinVar variation 5027724 (VCV005027724.1).

ClinVar aggregate classification (germline): Uncertain significance (1 of 4 stars; one submission).

Conditions:
Hereditary cancer-predisposing syndrome. Also called: Neoplastic Syndromes, Hereditary; Tumor predisposition; Hereditary neoplastic syndrome; Hereditary Cancer Syndrome. Identifiers: Orphanet 140162, MedGen C0027672, MeSH D009386, MONDO:0015356.

Submission:

Ambry Genetics
Classification: Uncertain significance for Hereditary cancer-predisposing syndrome. Last evaluated: 2026-07-23. Review status: criteria provided, single submitter. Criteria: Ambry Variant Classification Scheme 2023. Collection method: clinical testing. Allele origin: germline.
Comment: The p.E209A variant (also known as c.626A>C), located in coding exon 5 of the RAD50 gene, results from an A to C substitution at nucleotide position 626. The glutamic acid at codon 209 is replaced by alanine, an amino acid with dissimilar properties. This amino acid position is conserved. In addition, the in silico prediction for this alteration is inconclusive. Based on the available evidence, the clinical significance of this variant remains unclear.